The following is an entry in ClinVar:

ClinVar aggregate classification (germline): Conflicting classifications of pathogenicity. Review status: criteria provided, conflicting classifications (1 of 4 stars). 4 submissions from 4 submitters: Uncertain significance (3); Likely benign (1). Last evaluated 2025-07-08.

Conditions:
Isolated focal cortical dysplasia type II (FCORD2). Also called: Focal cortical dysplasia type II; CORTICAL DYSPLASIA OF TAYLOR. Identifiers: Orphanet 268994, MedGen C1846385, MONDO:0011818, OMIM 607341, HP:0032051.
Tuberous sclerosis syndrome (TSC). Also called: Tuberous Sclerosis Complex; Tuberous sclerosis. Identifiers: Orphanet 805, MedGen C0041341, MONDO:0001734.
Hereditary cancer-predisposing syndrome. Also called: Hereditary neoplastic syndrome; Tumor predisposition; Neoplastic Syndromes, Hereditary; Hereditary Cancer Syndrome. Identifiers: Orphanet 140162, MedGen C0027672, MeSH D009386, MONDO:0015356.
Tuberous sclerosis 1 (TSC1). Identifiers: Orphanet 805, MedGen C1854465, MONDO:0008612, OMIM 191100.

Allele frequency attached by ClinVar (database versions not stated): gnomAD exomes below 0.00001.
gnomAD v4.1: 3 of 1,614,112 alleles (0.00019%); highest among the groups gnomAD compares: Non-Finnish European, 0.00025%; no homozygotes.

Submissions (4):

Labcorp Genetics (formerly Invitae), Labcorp
Classification: Likely benign for Tuberous sclerosis 1. Last evaluated: 2025-07-08. Review status: criteria provided, single submitter. Criteria: Invitae Variant Classification Sherloc (09022015). Collection method: clinical testing. Allele origin: germline.

Ambry Genetics
Classification: Uncertain significance for Hereditary cancer-predisposing syndrome. Last evaluated: 2024-06-26. Review status: criteria provided, single submitter. Criteria: Ambry Variant Classification Scheme 2023. Collection method: clinical testing. Allele origin: germline.
Comment: The p.L33F variant (also known as c.97C>T), located in coding exon 1 of the TSC1 gene, results from a C to T substitution at nucleotide position 97. The leucine at codon 33 is replaced by phenylalanine, an amino acid with highly similar properties. This amino acid position is well conserved in available vertebrate species. In addition, this alteration is predicted to be deleterious by in silico analysis. Since supporting evidence is limited at this time, the clinical significance of this alteration remains unclear.

Baylor Genetics
Classification: Uncertain significance for Isolated focal cortical dysplasia type II. Last evaluated: 2023-12-06. Review status: criteria provided, single submitter. Criteria: ACMG Guidelines, 2015. Collection method: clinical testing. Allele origin: unknown.

All of Us Research Program, National Institutes of Health
Classification: Uncertain significance for Tuberous sclerosis syndrome. Last evaluated: 2023-11-30. Review status: criteria provided, single submitter. Criteria: ACMG Guidelines, 2015. Collection method: clinical testing. Allele origin: germline. Inheritance: Autosomal dominant inheritance. Observed: 1 variant allele, 1 heterozygote.
Comment: This study involves interpretation of variants in research participants for the purpose of population health screening. Participant phenotype was not available at the time of variant classification. Additional details can be found in publication PMID: 35346344, PMCID: PMC8962531

NM_000368.5(TSC1):c.97C>T (p.Leu33Phe)

Gene: TSC1 (TSC complex subunit 1; minus strand). Cytogenetic location: 9q34.13.
Variant type: single nucleotide variant.
Coding change: c.97C>T on transcript NM_000368.5 (MANE Select); coding-DNA position 97, C replaced by T.
Protein change: p.Leu33Phe; replaces leucine 33 with phenylalanine.
Molecular consequence: missense variant. On other transcripts: 5 prime UTR variant (1).
Genome position (GRCh38, 1-based): chr9:132,928,776, G>A on the plus strand (C>T on the coding strand, the complement: TSC1 is on the minus strand). VCF-style: chr9-132928776-G-A. GRCh37 (hg19) VCF-style: chr9-135804163-G-A.
Other names: c.97C>T, p.Leu33Phe (NM_001162426.2, NM_001162427.2); c.-163C>T (NM_001362177.2); short protein forms L33F.
Identifiers: ClinVar variation 861155 (VCV000861155.16), dbSNP rs1847031671, ClinGen allele CA375375270.